The following is an entry in ClinVar:

NM_002755.4(MAP2K1):c.158T>A (p.Phe53Tyr)

Gene: MAP2K1 (mitogen-activated protein kinase kinase 1; plus strand). Cytogenetic location: 15q22.31.
Variant type: single nucleotide variant.
Coding change: c.158T>A on transcript NM_002755.4 (MANE Select); coding-DNA position 158, T replaced by A.
Protein change: p.Phe53Tyr; replaces phenylalanine 53 with tyrosine.
Molecular consequence: missense variant.
Genome position (GRCh38, 1-based): chr15:66,435,104, T>A. VCF-style: chr15-66435104-T-A. GRCh37 (hg19) VCF-style: chr15-66727442-T-A.
Other names: c.92T>A, p.Phe31Tyr (NM_001411065.1); short protein forms F31Y, F53Y.
Identifiers: ClinVar variation 4814140 (VCV004814140.1).
Genomic context (GRCh38, chr15:66,435,104, plus strand): 5'-TGCAGAAGAAGCTGGAGGAGCTAGAGCTTGATGAGCAGCAGCGAAAGCGCCTTGAGGCCT[T>A]TCTTACCCAGAAGCAGAAGGTGGGAGAACTGAAGGATGACGACTTTGAGAAGATCAGTGA-3'
Protein context (NP_002746.1, residues 43-63): DEQQRKRLEA[Phe53Tyr]LTQKQKVGEL

ClinVar aggregate classification (germline): Likely pathogenic (1 of 4 stars; one submission).

Conditions:
Cardiofaciocutaneous syndrome 3 (CFC3). Also called: MAP2K1-Related Cardiofaciocutaneous Syndrome. Identifiers: Orphanet 1340, MedGen C3809006, MONDO:0014113, OMIM 615279.

Submission:

OLLIN Analises Genomicas, OLLIN
Classification: Likely pathogenic for Cardiofaciocutaneous syndrome 3. Last evaluated: 2024-12-02. Review status: criteria provided, single submitter. Criteria: ACMG Guidelines 2015 PMID 25741868. Collection method: clinical testing. Allele origin: germline. Affected: yes. Observed: 1 variant allele.
Comment: The missense variant (chr15:66435104 T>A), located in exon 2 (of 11), is not reported in the gnomAD v4.1 non-UKB and ClinVar databases, nor was it found in the scientific literature. It is located in a known mutational hotspot, and there is another reported pathogenic variant affecting the same amino acid residue. This gene shows low tolerance to missense variantion, and in silico analysis predicts a deleterious effect on the protein function. Therefore, according to the specific ClinGen criteria for RASopathies, this variant is classified as likely pathogenic (PMID:29493581 - PM2_M, PM1, PM5, PP2, PP3).

Literature cited by the submitters: PubMed 29493581.